The following is an entry in ClinVar:

ClinVar aggregate classification (germline): Uncertain significance (1 of 4 stars; one submission).

Allele frequency attached by ClinVar (database versions not stated): gnomAD 0.00001; gnomAD exomes 0.00002; TOPMed 0.00002.
gnomAD v4.1: 23 of 1,612,856 alleles (0.0014%); highest among the groups gnomAD compares: Non-Finnish European, 0.002%; no homozygotes.

Submission:

CeGaT Center for Human Genetics Tuebingen
Classification: Uncertain significance. Last evaluated: 2023-08-01. Review status: criteria provided, single submitter. Criteria: CeGaT Center For Human Genetics Tuebingen Variant Classification Criteria Version 2. Collection method: clinical testing. Allele origin: germline. Affected: yes. Observed: 1 variant allele.
Comment: TTLL5: PM2

NM_015072.5(TTLL5):c.940A>G (p.Met314Val)

Gene: TTLL5 (tubulin tyrosine ligase like 5; plus strand). Cytogenetic location: 14q24.3.
Variant type: single nucleotide variant.
Coding change: c.940A>G on transcript NM_015072.5 (MANE Select); coding-DNA position 940, A replaced by G.
Protein change: p.Met314Val; replaces methionine 314 with valine.
Molecular consequence: missense variant.
Genome position (GRCh38, 1-based): chr14:75,720,601, A>G. VCF-style: chr14-75720601-A-G. GRCh37 (hg19) VCF-style: chr14-76186944-A-G.
Other names: short protein forms M314V.
Identifiers: ClinVar variation 2578721 (VCV002578721.25), dbSNP rs1463458107, ClinGen allele CA390458628.